The following is an entry in ClinVar:

ClinVar aggregate classification (germline): Conflicting classifications of pathogenicity. Review status: criteria provided, conflicting classifications (1 of 4 stars). 2 submissions from 2 submitters: Uncertain significance (1); Likely benign (1). Last evaluated 2025-08-20.

Conditions:
Hereditary pancreatitis (PCTT). Also called: Hereditary chronic pancreatitis; PRSS1-Related Hereditary Pancreatitis. Identifiers: Orphanet 676, MedGen C0238339, MONDO:0008185, OMIM 167800.

Allele frequency attached by ClinVar (database versions not stated): TOPMed 0.00001.

Submissions (2):

Labcorp Genetics (formerly Invitae), Labcorp
Classification: Uncertain significance for Hereditary pancreatitis. Last evaluated: 2025-08-20. Review status: criteria provided, single submitter. Criteria: Invitae Variant Classification Sherloc (09022015). Collection method: clinical testing. Allele origin: germline.
Comment: This sequence change affects codon 130 of the PRSS1 mRNA. It is a 'silent' change, meaning that it does not change the encoded amino acid sequence of the PRSS1 protein. This variant is not present in population databases (gnomAD no frequency). This variant has not been reported in the literature in individuals affected with PRSS1-related conditions. ClinVar contains an entry for this variant (Variation ID: 1736085). Algorithms developed to predict the effect of sequence changes on RNA splicing suggest that this variant may create or strengthen a splice site. In summary, the available evidence is currently insufficient to determine the role of this variant in disease. Therefore, it has been classified as a Variant of Uncertain Significance.

Ambry Genetics
Classification: Likely benign for Hereditary pancreatitis. Last evaluated: 2019-08-22. Review status: criteria provided, single submitter. Criteria: Ambry Variant Classification Scheme 2023. Collection method: clinical testing. Allele origin: germline.

NM_002769.5(PRSS1):c.390C>A (p.Thr130=)

Genes: PRSS1 (serine protease 1; plus strand), TRB (T cell receptor beta locus; plus strand). Cytogenetic location: 7q34.
Variant type: single nucleotide variant.
Coding change: c.390C>A on transcript NM_002769.5 (MANE Select); coding-DNA position 390, C replaced by A.
Protein change: p.Thr130=; no amino-acid change (threonine 130 retained).
Molecular consequence: synonymous variant. On other transcripts: non-coding transcript variant (5).
Genome position (GRCh38, 1-based): chr7:142,751,963, C>A. VCF-style: chr7-142751963-C-A. GRCh37 (hg19) VCF-style: chr7-142459814-C-A.
Identifiers: ClinVar variation 1736085 (VCV001736085.3), dbSNP rs561097415, ClinGen allele CA458538311.